The following is an entry in ClinVar:

NM_001375524.1(TRRAP):c.6785C>A (p.Thr2262Asn)

Gene: TRRAP (transformation/transcription domain associated protein; plus strand). Cytogenetic location: 7q22.1.
Variant type: single nucleotide variant.
Coding change: c.6785C>A on transcript NM_001375524.1 (MANE Select); coding-DNA position 6785, C replaced by A.
Protein change: p.Thr2262Asn; replaces threonine 2262 with asparagine.
Molecular consequence: missense variant.
Genome position (GRCh38, 1-based): chr7:98,962,383, C>A. VCF-style: chr7-98962383-C-A. GRCh37 (hg19) VCF-style: chr7-98560006-C-A.
Other names: c.6764C>A, p.Thr2255Asn (NM_001244580.2); c.6710C>A, p.Thr2237Asn (NM_003496.4); short protein forms T2237N, T2255N, T2262N.
Identifiers: ClinVar variation 3032731 (VCV003032731.2), dbSNP rs1411691611, ClinGen allele CA368287062.

ClinVar aggregate classification (germline): Uncertain significance (0 of 4 stars; one submission).

Conditions:
TRRAP-related disorder. Also called: TRRAP-related condition.

Allele frequency attached by ClinVar (database versions not stated): gnomAD 0.00001.
gnomAD v4.1: 1 of 1,614,112 alleles (0.000062%); highest among the groups gnomAD compares: Non-Finnish European, 0.000085%; no homozygotes.

Submission:

PreventionGenetics, part of Exact Sciences
Classification: Uncertain significance for TRRAP-related condition. Last evaluated: 2024-01-04. Review status: no assertion criteria provided. Collection method: clinical testing. Allele origin: germline.
Comment: The TRRAP c.6710C>A variant is predicted to result in the amino acid substitution p.Thr2237Asn. To our knowledge, this variant has not been reported in the literature. This variant is reported in 0.0065% of alleles in individuals of European (Non-Finnish) descent in gnomAD. At this time, the clinical significance of this variant is uncertain due to the absence of conclusive functional and genetic evidence.